The following is an entry in ClinVar:

ClinVar aggregate classification (germline): Likely benign. Review status: criteria provided, multiple submitters, no conflicts (2 of 4 stars). 2 submissions from 2 submitters: Likely benign (2). Last evaluated 2025-05-17.

Conditions:
Combined immunodeficiency due to STIM1 deficiency. Also called: STIM1 DEFICIENCY; IMMUNODEFICIENCY 10. Identifiers: Orphanet 169090, Orphanet 317430, MedGen C2748557, MONDO:0013008, OMIM 612783.
Myopathy with tubular aggregates (TAM). Also called: Tubular Aggregate Myopathy. Identifiers: Orphanet 2593, MedGen C0410207, MONDO:0008051.
Stormorken syndrome (STRMK). Also called: THROMBOCYTOPATHY, ASPLENIA, AND MIOSIS. Identifiers: Orphanet 3204, MedGen C1861451, MONDO:0008497, OMIM 185070.

Allele frequency attached by ClinVar (database versions not stated): gnomAD exomes below 0.00001; gnomAD 0.00001; TOPMed 0.00001.
gnomAD v4.1: 3 of 1,614,112 alleles (0.00019%); highest among the groups gnomAD compares: Non-Finnish European, 0.00025%; no homozygotes.

Submissions (2):

Labcorp Genetics (formerly Invitae), Labcorp
Classification: Likely benign for Myopathy with tubular aggregates; Combined immunodeficiency due to STIM1 deficiency; Stormorken syndrome. Last evaluated: 2025-05-17. Review status: criteria provided, single submitter. Criteria: Invitae Variant Classification Sherloc (09022015). Collection method: clinical testing. Allele origin: germline.

CeGaT Center for Human Genetics Tuebingen
Classification: Likely benign. Last evaluated: 2023-03-01. Review status: criteria provided, single submitter. Criteria: CeGaT Center For Human Genetics Tuebingen Variant Classification Criteria Version 2. Collection method: clinical testing. Allele origin: germline. Affected: yes. Observed: 1 variant allele.
Comment: STIM1: BP4, BP7

NM_001382567.1(STIM1):c.198G>A (p.Glu66=)

Gene: STIM1 (stromal interaction molecule 1; plus strand). Cytogenetic location: 11p15.4.
Variant type: single nucleotide variant.
Coding change: c.198G>A on transcript NM_001382567.1 (MANE Select); coding-DNA position 198, G replaced by A.
Protein change: p.Glu66=; no amino-acid change (glutamic acid 66 retained).
Molecular consequence: synonymous variant. On other transcripts: 5 prime UTR variant (8), non-coding transcript variant (3), intron variant (4).
Genome position (GRCh38, 1-based): chr11:3,967,610, G>A. VCF-style: chr11-3967610-G-A. GRCh37 (hg19) VCF-style: chr11-3988840-G-A.
Other names: c.198G>A, p.Glu66= (NM_001277961.3, NM_001277962.2, NM_001382568.1 and 3 more transcripts); c.-25G>A (NM_001382566.1, NM_001382573.1, NM_001382574.1 and 5 more transcripts); c.-219-56263G>A (NM_001382580.1, NM_001382581.1); c.136-56263G>A (NM_001382569.1); c.-98-56263G>A (NM_001382571.1).
Identifiers: ClinVar variation 2641522 (VCV002641522.25), dbSNP rs1216842886, ClinGen allele CA472758484.